The following is an entry in ClinVar:

ClinVar aggregate classification (germline): Uncertain significance (1 of 4 stars; one submission).

Conditions:
Kleefstra syndrome 1 (KLEFS1). Identifiers: Orphanet 261494, MedGen C0795833, MONDO:0027407, OMIM 610253.

Submission:

Labcorp Genetics (formerly Invitae), Labcorp
Classification: Uncertain significance for Kleefstra syndrome 1. Last evaluated: 2024-02-24. Review status: criteria provided, single submitter. Criteria: Invitae Variant Classification Sherloc (09022015). Collection method: clinical testing. Allele origin: germline.
Comment: This sequence change replaces isoleucine, which is neutral and non-polar, with arginine, which is basic and polar, at codon 91 of the EHMT1 protein (p.Ile91Arg). This variant is not present in population databases (gnomAD no frequency). This variant has not been reported in the literature in individuals affected with EHMT1-related conditions. ClinVar contains an entry for this variant (Variation ID: 2105242). An algorithm developed to predict the effect of missense changes on protein structure and function (PolyPhen-2) suggests that this variant is likely to be disruptive. In summary, the available evidence is currently insufficient to determine the role of this variant in disease. Therefore, it has been classified as a Variant of Uncertain Significance.

NM_024757.5(EHMT1):c.272T>G (p.Ile91Arg)

Gene: EHMT1 (euchromatic histone lysine methyltransferase 1; plus strand). Cytogenetic location: 9q34.3.
Variant type: single nucleotide variant.
Coding change: c.272T>G on transcript NM_024757.5 (MANE Select); coding-DNA position 272, T replaced by G.
Protein change: p.Ile91Arg; replaces isoleucine 91 with arginine.
Molecular consequence: missense variant.
Genome position (GRCh38, 1-based): chr9:137,716,812, T>G. VCF-style: chr9-137716812-T-G. GRCh37 (hg19) VCF-style: chr9-140611264-T-G.
Other names: c.272T>G, p.Ile91Arg (NM_001145527.2, NM_001354263.2, NM_001354611.2); c.179T>G, p.Ile60Arg (NM_001354259.2, NM_001354612.2); short protein forms I91R, I60R.
Identifiers: ClinVar variation 2105242 (VCV002105242.4), dbSNP rs2541031546, ClinGen allele CA375763874.